The following is an entry in ClinVar:

ClinVar aggregate classification (germline): Uncertain significance (1 of 4 stars; one submission).

Conditions:
Hyperkalemic periodic paralysis. Also called: Familial hyperkalemic periodic paralysis; Gamstorp disease. Identifiers: Orphanet 682, MedGen C0238357, MONDO:0008224, OMIM 170500, HP:0007215.

Allele frequency attached by ClinVar (database versions not stated): gnomAD exomes 0.00001 and 0.00002; TOPMed 0.00001; ExAC 0.00003.
gnomAD v4.1: 9 of 1,612,424 alleles (0.00056%); highest among the groups gnomAD compares: East Asian, 0.0045%; no homozygotes.

Submission:

Labcorp Genetics (formerly Invitae), Labcorp
Classification: Uncertain significance for Hyperkalemic periodic paralysis. Last evaluated: 2025-06-22. Review status: criteria provided, single submitter. Criteria: Invitae Variant Classification Sherloc (09022015). Collection method: clinical testing. Allele origin: germline.
Comment: This sequence change replaces serine, which is neutral and polar, with leucine, which is neutral and non-polar, at codon 962 of the SCN4A protein (p.Ser962Leu). This variant is present in population databases (rs746676885, gnomAD 0.01%). This variant has not been reported in the literature in individuals affected with SCN4A-related conditions. ClinVar contains an entry for this variant (Variation ID: 1477754). Invitae Evidence Modeling of protein sequence and biophysical properties (such as structural, functional, and spatial information, amino acid conservation, physicochemical variation, residue mobility, and thermodynamic stability) indicates that this missense variant is not expected to disrupt SCN4A protein function with a negative predictive value of 95%. Algorithms developed to predict the effect of sequence changes on RNA splicing suggest that this variant may create or strengthen a splice site. In summary, the available evidence is currently insufficient to determine the role of this variant in disease. Therefore, it has been classified as a Variant of Uncertain Significance.

NM_000334.4(SCN4A):c.2885C>T (p.Ser962Leu)

Genes: GH-LCR (growth hormone locus control region; plus strand), SCN4A (sodium voltage-gated channel alpha subunit 4; minus strand). Cytogenetic location: 17q23.3.
Variant type: single nucleotide variant.
Coding change: c.2885C>T on transcript NM_000334.4 (MANE Select); coding-DNA position 2885, C replaced by T.
Protein change: p.Ser962Leu; replaces serine 962 with leucine.
Molecular consequence: missense variant.
Genome position (GRCh38, 1-based): chr17:63,949,497, G>A on the plus strand (C>T on the coding strand, the complement: SCN4A is on the minus strand). VCF-style: chr17-63949497-G-A. GRCh37 (hg19) VCF-style: chr17-62026857-G-A.
Other names: short protein forms S962L.
Identifiers: ClinVar variation 1477754 (VCV001477754.6), dbSNP rs746676885, ClinGen allele CA8709456.